The following is an entry in ClinVar:

ClinVar aggregate classification (germline): Uncertain significance (0 of 4 stars; one submission).

Conditions:
MYO5A-related disorder. Also called: MYO5A-related condition.

Submission:

PreventionGenetics, part of Exact Sciences
Classification: Uncertain significance for MYO5A-related condition. Last evaluated: 2024-03-14. Review status: no assertion criteria provided. Collection method: clinical testing. Allele origin: germline.
Comment: The MYO5A c.985C>T variant is predicted to result in the amino acid substitution p.Leu329Phe. To our knowledge, this variant has not been reported in the literature. This variant is reported in 0.00088% of alleles in individuals of European (Non-Finnish) descent in gnomAD. At this time, the clinical significance of this variant is uncertain due to the absence of conclusive functional and genetic evidence.

NM_001382347.1(MYO5A):c.985C>T (p.Leu329Phe)

Gene: MYO5A (myosin VA; minus strand). Cytogenetic location: 15q21.2.
Variant type: single nucleotide variant.
Coding change: c.985C>T on transcript NM_001382347.1 (MANE Select); coding-DNA position 985, C replaced by T.
Protein change: p.Leu329Phe; replaces leucine 329 with phenylalanine.
Molecular consequence: missense variant.
Genome position (GRCh38, 1-based): chr15:52,405,355, G>A on the plus strand (C>T on the coding strand, the complement: MYO5A is on the minus strand). VCF-style: chr15-52405355-G-A. GRCh37 (hg19) VCF-style: chr15-52697552-G-A.
Other names: c.985C>T, p.Leu329Phe (NM_000259.3, NM_001142495.2, NM_001411135.1); c.1057C>T, p.Leu353Phe (NM_001382348.1, NM_001382349.1); short protein forms L329F, L353F.
Identifiers: ClinVar variation 3354850 (VCV003354850.1).
Genomic context (GRCh38, chr15:52,405,355, plus strand): 5'-TGCAGCTGTCTGCATCTCGGGATGTAAATCCAACATTGCCTAAGTGAAGGATGCCAGCAA[G>A]TATTCGGAAAATTCCCATTTGATGAGATTCACTAATTCCTGAAACAAGAGAGTGAATGAA-3'
Protein context (NP_001369276.1, residues 319-339): ESHQMGIFRI[Leu329Phe]AGILHLGNVG